The following is an entry in ClinVar:

NM_130384.3(ATRIP):c.1621A>T (p.Met541Leu)

Genes: ATRIP (ATR interacting protein; plus strand), ATRIP-TREX1 (ATRIP-TREX1 readthrough; plus strand). Cytogenetic location: 3p21.31.
Variant type: single nucleotide variant.
Coding change: c.1621A>T on transcript NM_130384.3 (MANE Select); coding-DNA position 1621, A replaced by T.
Protein change: p.Met541Leu; replaces methionine 541 with leucine.
Molecular consequence: missense variant. On other transcripts: non-coding transcript variant (1).
Genome position (GRCh38, 1-based): chr3:48,460,675, A>T. VCF-style: chr3-48460675-A-T. GRCh37 (hg19) VCF-style: chr3-48502074-A-T.
Other names: c.1240A>T, p.Met414Leu (NM_001271022.2); c.1342A>T, p.Met448Leu (NM_001271023.2); c.1621A>T, p.Met541Leu (NM_032166.4); short protein forms M414L, M448L, M541L.
Identifiers: ClinVar variation 4844928 (VCV004844928.1).

ClinVar aggregate classification (germline): Uncertain significance (1 of 4 stars; one submission).

Submission:

Ambry Genetics
Classification: Uncertain significance. Last evaluated: 2026-01-18. Review status: criteria provided, single submitter. Criteria: Ambry Variant Classification Scheme 2023. Collection method: clinical testing. Allele origin: germline.
Comment: The p.M541L variant (also known as c.1621A>T), located in coding exon 8 of the ATRIP gene, results from an A to T substitution at nucleotide position 1621. The methionine at codon 541 is replaced by leucine, an amino acid with highly similar properties. This amino acid position is conserved. In addition, this alteration is predicted to be tolerated by in silico analysis. Based on the available evidence, the clinical significance of this variant remains unclear.